The following is an entry in ClinVar:

ClinVar aggregate classification (germline): Uncertain significance (1 of 4 stars; one submission).

Conditions:
Mucopolysaccharidosis type 1. Also called: IDUA deficiency; MPS I; Mucopolysaccharidosis Type I. Identifiers: Orphanet 579, MedGen C0023786, MONDO:0001586.

Allele frequency attached by ClinVar (database versions not stated): gnomAD 0.00001; gnomAD exomes 0.00002; TOPMed 0.00002; ExAC 0.00003; ESP Exome Variant Server 0.00015.
gnomAD v4.1: 24 of 1,611,976 alleles (0.0015%); highest among the groups gnomAD compares: Non-Finnish European, 0.002%; no homozygotes.

Submission:

Labcorp Genetics (formerly Invitae), Labcorp
Classification: Uncertain significance for Mucopolysaccharidosis type 1. Last evaluated: 2026-02-01. Review status: criteria provided, single submitter. Criteria: Invitae Variant Classification Sherloc (09022015). Collection method: clinical testing. Allele origin: germline.
Comment: This sequence change replaces valine, which is neutral and non-polar, with alanine, which is neutral and non-polar, at codon 565 of the IDUA protein (p.Val565Ala). This variant is present in population databases (rs371671953, gnomAD 0.003%). This variant has not been reported in the literature in individuals affected with IDUA-related conditions. ClinVar contains an entry for this variant (Variation ID: 2139324). Invitae Evidence Modeling of protein sequence and biophysical properties (such as structural, functional, and spatial information, amino acid conservation, physicochemical variation, residue mobility, and thermodynamic stability) indicates that this missense variant is not expected to disrupt IDUA protein function with a negative predictive value of 95%. In summary, the available evidence is currently insufficient to determine the role of this variant in disease. Therefore, it has been classified as a Variant of Uncertain Significance.

NM_000203.5(IDUA):c.1694T>C (p.Val565Ala)

Gene: IDUA (alpha-L-iduronidase; plus strand). Cytogenetic location: 4p16.3.
Variant type: single nucleotide variant.
Coding change: c.1694T>C on transcript NM_000203.5 (MANE Select); coding-DNA position 1694, T replaced by C.
Protein change: p.Val565Ala; replaces valine 565 with alanine.
Molecular consequence: missense variant. On other transcripts: non-coding transcript variant (1).
Genome position (GRCh38, 1-based): chr4:1,003,592, T>C. VCF-style: chr4-1003592-T-C. GRCh37 (hg19) VCF-style: chr4-997380-T-C.
Other names: c.1298T>C, p.Val433Ala (NM_001363576.1); short protein forms V433A, V565A.
Identifiers: ClinVar variation 2139324 (VCV002139324.3), dbSNP rs371671953, ClinGen allele CA2802354.